The following is an entry in ClinVar:

NM_000179.3(MSH6):c.3849_3850del (p.Thr1284fs)

Gene: MSH6 (mutS homolog 6; plus strand). Cytogenetic location: 2p16.3.
Variant type: Deletion.
Coding change: c.3849_3850del on transcript NM_000179.3 (MANE Select); coding-DNA positions 3849 to 3850, 2 bases deleted (TA; older notation c.3849_3850delTA).
Protein change: p.Thr1284fs; shifts the reading frame from threonine 1284.
Molecular consequence: frameshift variant. On other transcripts: non-coding transcript variant (5), intron variant (1).
Genome position (GRCh38, 1-based): chr2:47,806,499-47,806,500, TA deleted. VCF-style (leftmost placement, unchanged base first): chr2-47806498-TTA-T. GRCh37 (hg19) VCF-style: chr2-48033637-TTA-T.
Other names: c.3459_3460del, p.Thr1154fs (NM_001281492.2); c.2943_2944del, p.Thr982fs (NM_001281493.2, NM_001281494.2, NM_001406811.1 and 6 more transcripts); c.3945_3946del, p.Thr1316fs (NM_001406795.1); c.3849_3850del, p.Thr1284fs (NM_001406796.1, NM_001406808.1, NM_001406809.1); c.3552_3553del, p.Thr1185fs (NM_001406797.1, NM_001406801.1, NM_001406805.1 and 10 more transcripts); c.3675_3676del, p.Thr1226fs (NM_001406798.1); c.3324_3325del, p.Thr1109fs (NM_001406799.1, NM_001406806.1, NM_001406807.1); c.3836_3837del, p.Leu1279fs (NM_001406800.1); and 9 more; short protein forms L1279fs, T1109fs, T1154fs, T1185fs, T1226fs, T1228fs, T1258fs, T1284fs.
Identifiers: ClinVar variation 2674027 (VCV002674027.2), dbSNP rs2530860416, ClinGen allele CA2695200633.

ClinVar aggregate classification (germline): Pathogenic. Review status: criteria provided, multiple submitters, no conflicts (2 of 4 stars). 2 submissions from 2 submitters: Pathogenic (2). Last evaluated 2025-01-16.

Conditions:
Hereditary cancer-predisposing syndrome. Also called: Tumor predisposition; Hereditary neoplastic syndrome; Neoplastic Syndromes, Hereditary; Hereditary Cancer Syndrome. Identifiers: Orphanet 140162, MedGen C0027672, MeSH D009386, MONDO:0015356.
Lynch syndrome 5 (LYNCH5). Also called: Colorectal cancer, hereditary nonpolyposis, type 5; Hereditary non-polyposis colorectal cancer, type 5. Identifiers: Orphanet 144, MedGen C1833477, MONDO:0013710, OMIM 614350. Disease mechanism: loss of function.

Submissions (2):

Ambry Genetics
Classification: Pathogenic for Hereditary cancer-predisposing syndrome. Last evaluated: 2025-01-16. Review status: criteria provided, single submitter. Criteria: Ambry Variant Classification Scheme 2023. Collection method: clinical testing. Allele origin: germline.
Comment: The c.3849_3850delTA pathogenic mutation, located in coding exon 9 of the MSH6 gene, results from a deletion of two nucleotides at nucleotide positions 3849 to 3850, causing a translational frameshift with a predicted alternate stop codon (p.T1284Vfs*4). This variant is considered to be rare based on population cohorts in the Genome Aggregation Database (gnomAD). This alteration is expected to result in loss of function by premature protein truncation or nonsense-mediated mRNA decay. As such, this alteration is interpreted as a disease-causing mutation.

Myriad Genetics, Inc.
Classification: Pathogenic for Lynch syndrome 5. Last evaluated: 2023-12-11. Review status: criteria provided, single submitter. Criteria: Myriad Autosomal Dominant, Autosomal Recessive and X-Linked Classification Criteria (2023). Collection method: clinical testing. Allele origin: unknown.
Comment: This variant is considered pathogenic. This variant creates a frameshift predicted to result in premature protein truncation.